The following is an entry in ClinVar:

NM_000552.5(VWF):c.6087C>G (p.Val2029=)

Gene: VWF (von Willebrand factor; minus strand). Cytogenetic location: 12p13.31.
Variant type: single nucleotide variant.
Coding change: c.6087C>G on transcript NM_000552.5 (MANE Select); coding-DNA position 6087, C replaced by G.
Protein change: p.Val2029=; no amino-acid change (valine 2029 retained).
Molecular consequence: synonymous variant.
Genome position (GRCh38, 1-based): chr12:5,994,584, G>C on the plus strand (C>G on the coding strand, the complement: VWF is on the minus strand). VCF-style: chr12-5994584-G-C. GRCh37 (hg19) VCF-style: chr12-6103750-G-C.
Identifiers: ClinVar variation 3045267 (VCV003045267.2), dbSNP rs371791695, ClinGen allele CA6402075.

ClinVar aggregate classification (germline): Likely benign (0 of 4 stars; one submission).

Conditions:
VWF-related disorder. Also called: VWF-related disorders; VWF-related condition.

Allele frequency attached by ClinVar (database versions not stated): ExAC 0.00001; gnomAD exomes 0.00002; gnomAD 0.00005; TOPMed 0.00008; ESP Exome Variant Server 0.00015.
gnomAD v4.1: 35 of 1,613,820 alleles (0.0022%); highest among the groups gnomAD compares: African/African-American, 0.023%; no homozygotes.

Submission:

PreventionGenetics, part of Exact Sciences
Classification: Likely benign for VWF-related condition. Last evaluated: 2019-10-18. Review status: no assertion criteria provided. Collection method: clinical testing. Allele origin: germline.
Comment: This variant is classified as likely benign based on ACMG/AMP sequence variant interpretation guidelines (Richards et al. 2015 PMID: 25741868, with internal and published modifications).